The following is an entry in ClinVar:

NM_005787.6(ALG3):c.945T>C (p.Ser315=)

Gene: ALG3 (ALG3 alpha-1,3- mannosyltransferase; minus strand). Cytogenetic location: 3q27.1.
Variant type: single nucleotide variant.
Coding change: c.945T>C on transcript NM_005787.6 (MANE Select); coding-DNA position 945, T replaced by C.
Protein change: p.Ser315=; no amino-acid change (serine 315 retained).
Molecular consequence: synonymous variant. On other transcripts: non-coding transcript variant (2).
Genome position (GRCh38, 1-based): chr3:184,243,618, A>G on the plus strand (T>C on the coding strand, the complement: ALG3 is on the minus strand). VCF-style: chr3-184243618-A-G. GRCh37 (hg19) VCF-style: chr3-183961406-A-G.
Other names: c.945T>C (NM_005787.5); c.801T>C, p.Ser267= (NM_001006941.2); c.840T>C, p.Ser280= (NM_001006942.1).
Identifiers: ClinVar variation 2060733 (VCV002060733.6), dbSNP rs2233468, ClinGen allele CA2729373.

ClinVar aggregate classification (germline): Likely benign. Review status: criteria provided, single submitter (1 of 4 stars). 2 submissions from 2 submitters: Likely benign (1). 1 of the submissions does not count toward it. Last evaluated 2025-09-14.

Conditions:
ALG3-related disorder. Also called: ALG3-related condition.
ALG3-congenital disorder of glycosylation. Also called: CDG Id; CARBOHYDRATE-DEFICIENT GLYCOPROTEIN SYNDROME, TYPE IV; CDGS, TYPE IV; ALG3-CDG; CONGENITAL DISORDER OF GLYCOSYLATION, TYPE Id. Identifiers: Orphanet 79321, MedGen C1832736, MONDO:0010998, OMIM 601110.

Allele frequency attached by ClinVar (database versions not stated): ExAC 0.00003; TOPMed 0.00014; gnomAD 0.00015; ESP Exome Variant Server 0.00033.

Submissions (2):

Labcorp Genetics (formerly Invitae), Labcorp
Classification: Likely benign for ALG3-congenital disorder of glycosylation. Last evaluated: 2025-09-14. Review status: criteria provided, single submitter. Criteria: Invitae Variant Classification Sherloc (09022015). Collection method: clinical testing. Allele origin: germline.

PreventionGenetics, part of Exact Sciences
Classification: Likely benign for ALG3-related condition. Last evaluated: 2020-03-30. Review status: no assertion criteria provided. Collection method: clinical testing. Allele origin: germline. Not counted in ClinVar's aggregate classification.
Comment: This variant is classified as likely benign based on ACMG/AMP sequence variant interpretation guidelines (Richards et al. 2015 PMID: 25741868, with internal and published modifications).